The following is an entry in ClinVar:

NM_014712.3(SETD1A):c.1256_1259dup (p.Thr421fs)

Gene: SETD1A (SET domain containing 1A, histone lysine methyltransferase; plus strand). Cytogenetic location: 16p11.2.
Variant type: Duplication.
Coding change: c.1256_1259dup on transcript NM_014712.3 (MANE Select); coding-DNA positions 1256 to 1259, 4 bases duplicated (GGCC; older notation c.1256_1259dupGGCC).
Protein change: p.Thr421fs; shifts the reading frame from threonine 421.
Molecular consequence: frameshift variant.
Genome position (GRCh38, 1-based): chr16:30,964,998-30,965,001, GGCC duplicated; duplicating any 4 consecutive bases within chr16:30,964,995-30,965,001 gives the same sequence; the c. name uses the placement nearest the transcript's 3' end. VCF-style (leftmost placement, unchanged base first): chr16-30964994-A-AGCCG. GRCh37 (hg19) VCF-style: chr16-30976315-A-AGCCG.
Other names: short protein forms T421fs.
Identifiers: ClinVar variation 1699408 (VCV001699408.3), dbSNP rs2143491920, ClinGen allele CA1139771273.

ClinVar aggregate classification (germline): Pathogenic (1 of 4 stars; one submission).

Conditions:
Neurodevelopmental disorder. Identifiers: MedGen C1535926, MeSH D065886, MONDO:0700092.

Submission:

Victorian Clinical Genetics Services, Murdoch Childrens Research Institute
Classification: Pathogenic for Neurodevelopmental disorder. Last evaluated: 2022-09-02. Review status: criteria provided, single submitter. Criteria: ACMG Guidelines, 2015. Collection method: clinical testing. Allele origin: germline. Inheritance: Autosomal dominant inheritance. Affected: yes.
Comment: Based on the classification scheme VCGS_Germline_v1.3.4, this variant is classified as Pathogenic. Following criteria are met: 0102 - Loss of function is a known mechanism of disease in this gene and is associated with neurodevelopmental disorder with speech impairment and dysmorphic facies (MIM#619056) whereas the mechanism is unknown for early onset epilepsy with or without developmental delay (MIM#619056). (I) 0107 - This gene is associated with autosomal dominant disease. (I) 0201 - Variant is predicted to cause nonsense-mediated decay (NMD) and loss of protein (premature termination codon is located at least 54 nucleotides upstream of the final exon-exon junction). (SP) 0251 - This variant is heterozygous. (I) 0301 - Variant is absent from gnomAD (both v2 and v3). (SP) 0701 - Other NMD predicted variants comparable to the one identified in this case have very strong previous evidence for pathogenicity (ClinVar). (SP) 0807 - This variant has no previous evidence of pathogenicity. (I) 0905 - No published segregation evidence has been identified for this variant. (I) 1007 - No published functional evidence has been identified for this variant. (SP) Legend: (SP) - Supporting pathogenic, (I) - Information, (SB) - Supporting benign